The following is an entry in ClinVar:

ClinVar aggregate classification (germline): Uncertain significance. Review status: criteria provided, multiple submitters, no conflicts (2 of 4 stars). 2 submissions from 2 submitters: Uncertain significance (2). Last evaluated 2023-12-05.

Conditions:
Hereditary cancer-predisposing syndrome. Also called: Tumor predisposition; Neoplastic Syndromes, Hereditary; Hereditary neoplastic syndrome; Hereditary Cancer Syndrome. Identifiers: Orphanet 140162, MedGen C0027672, MeSH D009386, MONDO:0015356.

Submissions (2):

Color Diagnostics, LLC DBA Color Health
Classification: Uncertain significance for Hereditary cancer-predisposing syndrome. Last evaluated: 2023-12-05. Review status: criteria provided, single submitter. Criteria: ACMG Guidelines, 2015. Collection method: clinical testing. Allele origin: germline.
Comment: This missense variant replaces isoleucine with asparagine at codon 131 of the BAP1 protein. Computational prediction suggests that this variant may have deleterious impact on protein structure and function (internally defined REVEL score threshold >= 0.7, PMID: 27666373). To our knowledge, functional studies have not been reported for this variant. This variant has not been reported in individuals affected with BAP1-related disorders in the literature. This variant has not been identified in the general population by the Genome Aggregation Database (gnomAD). The available evidence is insufficient to determine the role of this variant in disease conclusively. Therefore, this variant is classified as a Variant of Uncertain Significance.

Ambry Genetics
Classification: Uncertain significance for Hereditary cancer-predisposing syndrome. Last evaluated: 2021-03-31. Review status: criteria provided, single submitter. Criteria: Ambry Variant Classification Scheme 2023. Collection method: clinical testing. Allele origin: germline.
Comment: The p.I131N variant (also known as c.392T>A), located in coding exon 6 of the BAP1 gene, results from a T to A substitution at nucleotide position 392. The isoleucine at codon 131 is replaced by asparagine, an amino acid with dissimilar properties. This amino acid position is highly conserved in available vertebrate species. In addition, this alteration is predicted to be deleterious by in silico analysis. Since supporting evidence is limited at this time, the clinical significance of this alteration remains unclear.

NM_004656.4(BAP1):c.392T>A (p.Ile131Asn)

Gene: BAP1 (BRCA1 associated deubiquitinase 1; minus strand). Cytogenetic location: 3p21.1.
Variant type: single nucleotide variant.
Coding change: c.392T>A on transcript NM_004656.4 (MANE Select); coding-DNA position 392, T replaced by A.
Protein change: p.Ile131Asn; replaces isoleucine 131 with asparagine.
Molecular consequence: missense variant.
Genome position (GRCh38, 1-based): chr3:52,407,444, A>T on the plus strand (T>A on the coding strand, the complement: BAP1 is on the minus strand). VCF-style: chr3-52407444-A-T. GRCh37 (hg19) VCF-style: chr3-52441460-A-T.
Other names: short protein forms I131N.
Identifiers: ClinVar variation 631043 (VCV000631043.7), dbSNP rs1559590753, ClinGen allele CA353111149.